The following is an entry in ClinVar:

NM_000548.5(TSC2):c.3867G>T (p.Arg1289Ser)

Gene: TSC2 (TSC complex subunit 2; plus strand). Cytogenetic location: 16p13.3.
Variant type: single nucleotide variant.
Coding change: c.3867G>T on transcript NM_000548.5 (MANE Select); coding-DNA position 3867, G replaced by T.
Protein change: p.Arg1289Ser; replaces arginine 1289 with serine.
Molecular consequence: missense variant. On other transcripts: intron variant (6).
Genome position (GRCh38, 1-based): chr16:2,082,488, G>T. VCF-style: chr16-2082488-G-T. GRCh37 (hg19) VCF-style: chr16-2132489-G-T.
Other names: c.3135G>T, p.Arg1045Ser (NM_001318831.2); c.3735G>T, p.Arg1245Ser (NM_001370404.1); c.3738G>T, p.Arg1246Ser (NM_001370405.1, NM_021055.3); c.3814+690G>T (NM_001114382.3); c.3685+690G>T (NM_001363528.2); c.3682+690G>T (NM_001077183.3); c.3574+690G>T (NM_001318827.2); c.3538+690G>T (NM_001318829.2); and 1 more; short protein forms R1245S, R1289S, R1246S, R1045S.
Identifiers: ClinVar variation 642278 (VCV000642278.13), dbSNP rs1008733639, ClinGen allele CA394295157.

ClinVar aggregate classification (germline): Uncertain significance. Review status: criteria provided, multiple submitters, no conflicts (2 of 4 stars). 4 submissions from 4 submitters: Uncertain significance (4). Last evaluated 2025-09-30.

Conditions:
Isolated focal cortical dysplasia type II (FCORD2). Also called: CORTICAL DYSPLASIA OF TAYLOR; Focal cortical dysplasia type II. Identifiers: Orphanet 268994, MedGen C1846385, MONDO:0011818, OMIM 607341, HP:0032051.
Hereditary cancer-predisposing syndrome. Also called: Neoplastic Syndromes, Hereditary; Hereditary Cancer Syndrome; Hereditary neoplastic syndrome; Tumor predisposition. Identifiers: Orphanet 140162, MedGen C0027672, MeSH D009386, MONDO:0015356.
Tuberous sclerosis 2 (TSC2). Identifiers: Orphanet 805, MedGen C1860707, MONDO:0013199, OMIM 613254.

Allele frequency attached by ClinVar (database versions not stated): TOPMed below 0.00001.
gnomAD v4.1: 2 of 1,611,996 alleles (0.00012%); highest among the groups gnomAD compares: African/African-American, 0.0013%; no homozygotes.

Submissions (4):

Ambry Genetics
Classification: Uncertain significance for Hereditary cancer-predisposing syndrome. Last evaluated: 2025-09-30. Review status: criteria provided, single submitter. Criteria: Ambry Variant Classification Scheme 2023. Collection method: clinical testing. Allele origin: germline.
Comment: The p.R1289S variant (also known as c.3867G>T), located in coding exon 31 of the TSC2 gene, results from a G to T substitution at nucleotide position 3867. The arginine at codon 1289 is replaced by serine, an amino acid with dissimilar properties. This amino acid position is highly conserved in available vertebrate species. In addition, this alteration is predicted to be deleterious by in silico analysis. Based on the available evidence, the clinical significance of this variant remains unclear.

Labcorp Genetics (formerly Invitae), Labcorp
Classification: Uncertain significance for Tuberous sclerosis 2. Last evaluated: 2025-01-21. Review status: criteria provided, single submitter. Criteria: Invitae Variant Classification Sherloc (09022015). Collection method: clinical testing. Allele origin: germline.
Comment: This sequence change replaces arginine, which is basic and polar, with serine, which is neutral and polar, at codon 1289 of the TSC2 protein (p.Arg1289Ser). This variant is not present in population databases (gnomAD no frequency). This variant has not been reported in the literature in individuals affected with TSC2-related conditions. ClinVar contains an entry for this variant (Variation ID: 642278). Invitae Evidence Modeling of protein sequence and biophysical properties (such as structural, functional, and spatial information, amino acid conservation, physicochemical variation, residue mobility, and thermodynamic stability) indicates that this missense variant is not expected to disrupt TSC2 protein function with a negative predictive value of 95%. RNA analysis performed to evaluate the impact of this missense change on mRNA splicing indicates it does not significantly alter splicing (internal data). In summary, the available evidence is currently insufficient to determine the role of this variant in disease. Therefore, it has been classified as a Variant of Uncertain Significance.

GeneDx
Classification: Uncertain significance. Last evaluated: 2024-02-27. Review status: criteria provided, single submitter. Criteria: GeneDx Variant Classification Process June 2021. Collection method: clinical testing. Allele origin: germline. Affected: yes.
Comment: Not observed at significant frequency in large population cohorts (gnomAD); In silico analysis supports that this missense variant does not alter protein structure/function; Has not been previously published as pathogenic or benign to our knowledge; In silico analysis is inconclusive as to whether the variant alters gene splicing. In the absence of RNA/functional studies, the actual effect of this sequence change is unknown.

Baylor Genetics
Classification: Uncertain significance for Isolated focal cortical dysplasia type II. Last evaluated: 2023-05-11. Review status: criteria provided, single submitter. Criteria: ACMG Guidelines, 2015. Collection method: clinical testing. Allele origin: unknown.